The following is an entry in ClinVar:

NM_000393.5(COL5A2):c.2489G>C (p.Arg830Pro)

Gene: COL5A2 (collagen type V alpha 2 chain; minus strand). Cytogenetic location: 2q32.2.
Variant type: single nucleotide variant.
Coding change: c.2489G>C on transcript NM_000393.5 (MANE Select); coding-DNA position 2489, G replaced by C.
Protein change: p.Arg830Pro; replaces arginine 830 with proline.
Molecular consequence: missense variant.
Genome position (GRCh38, 1-based): chr2:189,053,905, C>G on the plus strand (G>C on the coding strand, the complement: COL5A2 is on the minus strand). VCF-style: chr2-189053905-C-G. GRCh37 (hg19) VCF-style: chr2-189918631-C-G.
Other names: short protein forms R830P.
Identifiers: ClinVar variation 1792032 (VCV001792032.2), dbSNP rs770812483, ClinGen allele CA349872037.
Genomic context (GRCh38, chr2:189,053,905, plus strand): 5'-GTTTTATTGCTCAATCTCACACTAAAGAACACCAAAATACTGTCACTTACAGGATTGCCC[C>G]GGGAGCCAGGAGGGCCAACTAAACCTCGAGGACCAGGTTCACCCTAGAAAGCAGATTTTA-3'
Protein context (NP_000384.2, residues 820-840): PRGLVGPPGS[Arg830Pro]GNPGSRGENG

ClinVar aggregate classification (germline): Uncertain significance (1 of 4 stars; one submission).

Conditions:
Familial thoracic aortic aneurysm and aortic dissection (TAAD). Also called: Thoracic aortic aneurysms and dissections. Identifiers: Orphanet 91387, MedGen C4707243, MONDO:0019625.

Submission:

Ambry Genetics
Classification: Uncertain significance for Familial thoracic aortic aneurysm and aortic dissection. Last evaluated: 2020-11-10. Review status: criteria provided, single submitter. Criteria: Ambry Variant Classification Scheme 2023. Collection method: clinical testing. Allele origin: germline.
Comment: The p.R830P variant (also known as c.2489G>C), located in coding exon 37 of the COL5A2 gene, results from a G to C substitution at nucleotide position 2489. The arginine at codon 830 is replaced by proline, an amino acid with dissimilar properties. This amino acid position is well conserved in available vertebrate species. In addition, this alteration is predicted to be deleterious by in silico analysis. Since supporting evidence is limited at this time, the clinical significance of this alteration remains unclear.